The following is an entry in ClinVar:

ClinVar aggregate classification (germline): Uncertain significance (1 of 4 stars; one submission).

Conditions:
Primary ciliary dyskinesia. Also called: Ciliary dyskinesia. Identifiers: Orphanet 244, MedGen C0008780, MONDO:0016575, HP:0012265.

Allele frequency attached by ClinVar (database versions not stated): gnomAD exomes below 0.00001.
gnomAD v4.1: 1 of 1,613,854 alleles (0.000062%); highest among the groups gnomAD compares: Non-Finnish European, 0.000085%; no homozygotes.

Submission:

Ambry Genetics
Classification: Uncertain significance for Primary ciliary dyskinesia. Last evaluated: 2024-02-22. Review status: criteria provided, single submitter. Criteria: Ambry Variant Classification Scheme 2023. Collection method: clinical testing. Allele origin: germline.
Comment: The p.A4189V variant (also known as c.12566C>T), located in coding exon 77 of the DNAH11 gene, results from a C to T substitution at nucleotide position 12566. The alanine at codon 4189 is replaced by valine, an amino acid with similar properties. This amino acid position is conserved. In addition, this alteration is predicted to be tolerated by in silico analysis. Based on the available evidence, the clinical significance of this alteration remains unclear.

NM_001277115.2(DNAH11):c.12566C>T (p.Ala4189Val)

Gene: DNAH11 (dynein axonemal heavy chain 11; plus strand). Cytogenetic location: 7p15.3.
Variant type: single nucleotide variant.
Coding change: c.12566C>T on transcript NM_001277115.2 (MANE Select); coding-DNA position 12566, C replaced by T.
Protein change: p.Ala4189Val; replaces alanine 4189 with valine.
Molecular consequence: missense variant.
Genome position (GRCh38, 1-based): chr7:21,892,483, C>T. VCF-style: chr7-21892483-C-T. GRCh37 (hg19) VCF-style: chr7-21932101-C-T.
Other names: c.12587C>T, p.Ala4196Val (NM_003777.3); short protein forms A4189V, A4196V.
Identifiers: ClinVar variation 3221483 (VCV003221483.1), dbSNP rs1784359387, ClinGen allele CA366953014.